The following is an entry in ClinVar:

ClinVar aggregate classification (germline): Uncertain significance. Review status: criteria provided, multiple submitters, no conflicts (2 of 4 stars). 2 submissions from 2 submitters: Uncertain significance (2). Last evaluated 2026-01-22.

gnomAD v4.1: 13 of 1,610,020 alleles (0.00081%); highest among the groups gnomAD compares: South Asian, 0.0055%; no homozygotes.

Submissions (2):

Labcorp Genetics (formerly Invitae), Labcorp
Classification: Uncertain significance. Last evaluated: 2026-01-22. Review status: criteria provided, single submitter. Criteria: Invitae Variant Classification Sherloc (09022015). Collection method: clinical testing. Allele origin: germline.
Comment: This sequence change replaces arginine, which is basic and polar, with histidine, which is basic and polar, at codon 178 of the GNMT protein (p.Arg178His). This variant is present in population databases (rs566244116, gnomAD 0.01%). This variant has not been reported in the literature in individuals affected with GNMT-related conditions. ClinVar contains an entry for this variant (Variation ID: 3281809). Invitae Evidence Modeling of protein sequence and biophysical properties (such as structural, functional, and spatial information, amino acid conservation, physicochemical variation, residue mobility, and thermodynamic stability) has been performed for this missense variant. However, the output from this modeling did not meet the statistical confidence thresholds required to predict the impact of this variant on GNMT protein function. In summary, the available evidence is currently insufficient to determine the role of this variant in disease. Therefore, it has been classified as a Variant of Uncertain Significance.

Ambry Genetics
Classification: Uncertain significance. Last evaluated: 2024-05-30. Review status: criteria provided, single submitter. Criteria: Ambry Variant Classification Scheme 2023. Collection method: clinical testing. Allele origin: germline.

NM_018960.6(GNMT):c.533G>A (p.Arg178His)

Genes: CNPY3-GNMT (CNPY3-GNMT readthrough; plus strand), GNMT (glycine N-methyltransferase; plus strand). Cytogenetic location: 6p21.1.
Variant type: single nucleotide variant.
Coding change: c.533G>A on transcript NM_018960.6 (MANE Select); coding-DNA position 533, G replaced by A.
Protein change: p.Arg178His; replaces arginine 178 with histidine.
Molecular consequence: missense variant. On other transcripts: intron variant (1).
Genome position (GRCh38, 1-based): chr6:42,963,153, G>A. VCF-style: chr6-42963153-G-A. GRCh37 (hg19) VCF-style: chr6-42930891-G-A.
Other names: c.335G>A, p.Arg112His (NM_001318856.2); c.350G>A, p.Arg117His (NM_001318857.2); c.476G>A, p.Arg159His (NM_001318865.2); c.269-27G>A (NM_001318858.2); short protein forms R159H, R178H, R112H, R117H.
Identifiers: ClinVar variation 3281809 (VCV003281809.2).